The following is an entry in ClinVar:

ClinVar aggregate classification (germline): Pathogenic (1 of 4 stars; one submission).

Submission:

Labcorp Genetics (formerly Invitae), Labcorp
Classification: Pathogenic. Last evaluated: 2022-07-19. Review status: criteria provided, single submitter. Criteria: Invitae Variant Classification Sherloc (09022015). Collection method: clinical testing. Allele origin: germline.
Comment: ClinVar contains an entry for this variant (Variation ID: 1402936). For these reasons, this variant has been classified as Pathogenic. This variant has not been reported in the literature in individuals affected with CERKL-related conditions. This variant is not present in population databases (gnomAD no frequency). This sequence change creates a premature translational stop signal (p.Glu14Glyfs*47) in the CERKL gene. It is expected to result in an absent or disrupted protein product. Loss-of-function variants in CERKL are known to be pathogenic (PMID: 14681825, 23591405, 24043777).

Literature cited by the submitters: PubMed 14681825; PubMed 23591405; PubMed 24043777.

NM_201548.5(CERKL):c.38dup (p.Glu14fs)

Genes: CERKL (CERK like autophagy regulator; minus strand), LOC129935215 (ATAC-STARR-seq lymphoblastoid silent region 12158; plus strand). Cytogenetic location: 2q31.3.
Variant type: Duplication.
Coding change: c.38dup on transcript NM_201548.5 (MANE Select); coding-DNA position 38, one base duplicated (T; older notation c.38dupT).
Protein change: p.Glu14fs; shifts the reading frame from glutamic acid 14.
Molecular consequence: frameshift variant. On other transcripts: non-coding transcript variant (2).
Genome position (GRCh38, 1-based): chr2:181,656,969, A duplicated on the plus strand (T on the coding strand, the reverse complement: CERKL is on the minus strand). VCF-style (leftmost placement, unchanged base first): chr2-181656968-C-CA. GRCh37 (hg19) VCF-style: chr2-182521695-C-CA.
Other names: c.38dup, p.Glu14fs (NM_001030311.3, NM_001030312.3, NM_001030313.3 and 1 more transcripts); short protein forms E14fs.
Identifiers: ClinVar variation 1402936 (VCV001402936.6), dbSNP rs2105569222, ClinGen allele CA2573134208.